The following is an entry in ClinVar:

NM_002160.4(TNC):c.2340G>T (p.Glu780Asp)

Gene: TNC (tenascin C; minus strand). Cytogenetic location: 9q33.1.
Variant type: single nucleotide variant.
Coding change: c.2340G>T on transcript NM_002160.4 (MANE Select); coding-DNA position 2340, G replaced by T.
Protein change: p.Glu780Asp; replaces glutamic acid 780 with aspartic acid.
Molecular consequence: missense variant.
Genome position (GRCh38, 1-based): chr9:115,081,836, C>A on the plus strand (G>T on the coding strand, the complement: TNC is on the minus strand). VCF-style: chr9-115081836-C-A. GRCh37 (hg19) VCF-style: chr9-117844115-C-A.
Other names: short protein forms E780D.
Identifiers: ClinVar variation 689600 (VCV000689600.2), dbSNP rs201169030, ClinGen allele CA5208560.

ClinVar aggregate classification (germline): Conflicting classifications of pathogenicity. Review status: criteria provided, conflicting classifications (1 of 4 stars). 2 submissions from 2 submitters: Uncertain significance (1); Likely benign (1). Last evaluated 2024-09-24.

Conditions:
Autosomal dominant nonsyndromic hearing loss 56. Also called: Deafness, autosomal dominant 56. Identifiers: Orphanet 90635, MedGen C3810170, MONDO:0014283, OMIM 615629.

Allele frequency attached by ClinVar (database versions not stated): 1000 Genomes Project below 0.00001; gnomAD exomes below 0.00001 and 0.00001; ExAC 0.00001; gnomAD 0.00001; TOPMed 0.00001; 1000 Genomes Project 30x 0.00031.
gnomAD v4.1: 2 of 1,609,790 alleles (0.00012%); highest among the groups gnomAD compares: East Asian, 0.0022%; no homozygotes.

Submissions (2):

Women's Health and Genetics/Laboratory Corporation of America, LabCorp
Classification: Uncertain significance. Last evaluated: 2024-09-24. Review status: criteria provided, single submitter. Criteria: LabCorp Variant Classification Summary - May 2015. Collection method: clinical testing. Allele origin: germline.
Comment: Variant summary: TNC c.2340G>T (p.Glu780Asp) results in a conservative amino acid change located in the Fibronectin type III domain (IPR003961) of the encoded protein sequence. Three of five in-silico tools predict a damaging effect of the variant on protein function. The variant allele was found at a frequency of 1.2e-05 in 245572 control chromosomes (gnomAD). The available data on variant occurrences in the general population are insufficient to allow any conclusion about variant significance. c.2340G>T has been reported in the literature in an individual(s) affected with nonsyndromic hearing loss without strong evidence of causality (e.g. Zhao_2013). This report does not provide unequivocal conclusions about association of the variant with Deafness, Autosomal Dominant 56. To our knowledge, no experimental evidence demonstrating an impact on protein function has been reported. The following publication has been ascertained in the context of this evaluation (PMID: 23936043). ClinVar contains an entry for this variant (Variation ID: 689600). Based on the evidence outlined above, the variant was classified as uncertain significance.

Genetic Testing Center for Deafness, Department of Otolaryngology Head & Neck Surgery, Institute of Otolaryngology, Chinese PLA General Hospital
Classification: Likely benign for Autosomal dominant nonsyndromic hearing loss 56. Review status: criteria provided, single submitter. Criteria: ClinGen HL ACMG Specifications v1. Collection method: case-control. Allele origin: maternal. Affected: no. Observed: 2 variant alleles.

Literature cited by the submitters: PubMed 23936043 (cited by Women's Health and Genetics/Laboratory Corporation of America, LabCorp).